The following is an entry in ClinVar:

NM_000383.4(AIRE):c.789C>T (p.Gly263=)

Gene: AIRE (autoimmune regulator; plus strand). Cytogenetic location: 21q22.3.
Variant type: single nucleotide variant.
Coding change: c.789C>T on transcript NM_000383.4 (MANE Select); coding-DNA position 789, C replaced by T.
Protein change: p.Gly263=; no amino-acid change (glycine 263 retained).
Molecular consequence: synonymous variant.
Genome position (GRCh38, 1-based): chr21:44,289,793, C>T. VCF-style: chr21-44289793-C-T. GRCh37 (hg19) VCF-style: chr21-45709676-C-T.
Other names: c.789C>T (LRG_18t1).
Identifiers: ClinVar variation 128335 (VCV000128335.45), dbSNP rs138066507, ClinGen allele CA230865.
Genomic context (GRCh38, chr21:44,289,793, plus strand): 5'-GAACAAGGCCCGCAGCAGCAGTGGCCCGAAGCCTCTGGTTCGAGCCAAGGGAGCCCAGGG[C>T]GCTGCCCCCGTAAGCACCTGACCTTCCCTGGGGAGCCTGGCTCTTGATGCCCCCCGCCCC-3'
Protein context (NP_000374.1, residues 253-273): KPLVRAKGAQ[Gly263=]AAPGGGEARL

ClinVar aggregate classification (germline): Conflicting classifications of pathogenicity. Review status: criteria provided, conflicting classifications (1 of 4 stars). 6 submissions from 6 submitters: Uncertain significance (1); Benign (2); Likely benign (2). 1 of the submissions does not count toward it. Last evaluated 2026-02-03.

Conditions:
Polyglandular autoimmune syndrome, type 1 (APS1). Also called: Autoimmune polyendocrinopathy syndrome, type I; HYPOADRENOCORTICISM WITH HYPOPARATHYROIDISM AND SUPERFICIAL MONILIASIS; PGA I; AUTOIMMUNE POLYENDOCRINE SYNDROME, TYPE I, WITH OR WITHOUT REVERSIBLE METAPHYSEAL DYSPLASIA; Autoimmune polyendocrinopathy syndrome , type I, with or without reversible metaphyseal dysplasia; Autoimmune polyendocrine syndrome type 1. Identifiers: Orphanet 3453, MedGen C0085859, MONDO:0009411, OMIM 240300.

Allele frequency attached by ClinVar (database versions not stated): 1000 Genomes Project 30x 0.00016; 1000 Genomes Project 0.00020; gnomAD 0.00095 and 0.00099; ExAC 0.00099; TOPMed 0.00109; ESP Exome Variant Server 0.00123; gnomAD exomes 0.00149.
gnomAD v4.1: 1,375 of 1,612,616 alleles (0.085%); highest among the groups gnomAD compares: Middle Eastern, 0.1%; 6 homozygotes.

Submissions (6):

Labcorp Genetics (formerly Invitae), Labcorp
Classification: Benign for Polyglandular autoimmune syndrome, type 1. Last evaluated: 2026-02-03. Review status: criteria provided, single submitter. Criteria: Invitae Variant Classification Sherloc (09022015). Collection method: clinical testing. Allele origin: germline.

Women's Health and Genetics/Laboratory Corporation of America, LabCorp
Classification: Likely benign. Last evaluated: 2024-12-06. Review status: criteria provided, single submitter. Criteria: LabCorp Variant Classification Summary - May 2015. Collection method: clinical testing. Allele origin: germline.

CeGaT Center for Human Genetics Tuebingen
Classification: Likely benign. Last evaluated: 2022-08-01. Review status: criteria provided, single submitter. Criteria: CeGaT Center For Human Genetics Tuebingen Variant Classification Criteria Version 2. Collection method: clinical testing. Allele origin: germline. Affected: yes. Observed: 1 variant allele.
Comment: AIRE: BP4, BP7

GeneDx
Classification: Benign. Last evaluated: 2018-12-31. Review status: criteria provided, single submitter. Criteria: GeneDx Variant Classification Process June 2021. Collection method: clinical testing. Allele origin: germline. Affected: yes.

Genetic Services Laboratory, University of Chicago
Classification: Uncertain significance. Last evaluated: 2013-10-17. Review status: criteria provided, single submitter. Criteria: ACMG Guidelines, 2007. Collection method: clinical testing. Allele origin: germline. Inheritance: Autosomal recessive inheritance.

Natera, Inc.
Classification: Benign for Polyglandular autoimmune syndrome type 1. Last evaluated: 2019-10-28. Review status: no assertion criteria provided. Collection method: clinical testing. Allele origin: germline. Not counted in ClinVar's aggregate classification.